The following is an entry in ClinVar:

NM_006922.4(SCN3A):c.1811G>A (p.Ser604Asn)

Gene: SCN3A (sodium voltage-gated channel alpha subunit 3; minus strand). Cytogenetic location: 2q24.3.
Variant type: single nucleotide variant.
Coding change: c.1811G>A on transcript NM_006922.4 (MANE Select); coding-DNA position 1811, G replaced by A.
Protein change: p.Ser604Asn; replaces serine 604 with asparagine.
Molecular consequence: missense variant.
Genome position (GRCh38, 1-based): chr2:165,140,859, C>T on the plus strand (G>A on the coding strand, the complement: SCN3A is on the minus strand). VCF-style: chr2-165140859-C-T. GRCh37 (hg19) VCF-style: chr2-165997369-C-T.
Other names: c.1811G>A, p.Ser604Asn (NM_001081676.2, NM_001081677.2); short protein forms S604N.
Identifiers: ClinVar variation 3711383 (VCV003711383.2).
Genomic context (GRCh38, chr2:165,140,859, plus strand): 5'-TTACTGTTGCGTCGCTCTCCATGTCTGTGCGGCACAAACAGTGAGTCTCTCCTGCTTTCG[C>T]TGTCTTCAAATGTGCTGTGTTCATCATCAGCAAAGTCATTTTCAGATCCAACATCCTTTG-3'
Protein context (NP_008853.3, residues 594-614): ADDEHSTFED[Ser604Asn]ESRRDSLFVP

ClinVar aggregate classification (germline): Uncertain significance (1 of 4 stars; one submission).

Submission:

Labcorp Genetics (formerly Invitae), Labcorp
Classification: Uncertain significance. Last evaluated: 2024-11-13. Review status: criteria provided, single submitter. Criteria: Invitae Variant Classification Sherloc (09022015). Collection method: clinical testing. Allele origin: germline.
Comment: This sequence change replaces serine, which is neutral and polar, with asparagine, which is neutral and polar, at codon 604 of the SCN3A protein (p.Ser604Asn). This variant is present in population databases (rs748316536, gnomAD 0.0009%). This variant has not been reported in the literature in individuals affected with SCN3A-related conditions. Invitae Evidence Modeling of protein sequence and biophysical properties (such as structural, functional, and spatial information, amino acid conservation, physicochemical variation, residue mobility, and thermodynamic stability) indicates that this missense variant is not expected to disrupt SCN3A protein function with a negative predictive value of 95%. In summary, the available evidence is currently insufficient to determine the role of this variant in disease. Therefore, it has been classified as a Variant of Uncertain Significance.